The following is an entry in ClinVar:

NM_000321.3(RB1):c.2491A>G (p.Ile831Val)

Gene: RB1 (RB transcriptional corepressor 1; plus strand). Cytogenetic location: 13q14.2.
Variant type: single nucleotide variant.
Coding change: c.2491A>G on transcript NM_000321.3 (MANE Select); coding-DNA position 2491, A replaced by G.
Protein change: p.Ile831Val; replaces isoleucine 831 with valine.
Molecular consequence: missense variant.
Genome position (GRCh38, 1-based): chr13:48,473,361, A>G. VCF-style: chr13-48473361-A-G. GRCh37 (hg19) VCF-style: chr13-49047497-A-G.
Other names: p.Ile831Val; short protein forms I831V.
Identifiers: ClinVar variation 410948 (VCV000410948.23), dbSNP rs761068783, ClinGen allele CA035903.

ClinVar aggregate classification (germline): Conflicting classifications of pathogenicity. Review status: criteria provided, conflicting classifications (1 of 4 stars). 7 submissions from 7 submitters: Uncertain significance (4); Likely benign (3). Last evaluated 2026-02-19.

Conditions:
Hereditary cancer-predisposing syndrome. Also called: Hereditary neoplastic syndrome; Tumor predisposition; Hereditary Cancer Syndrome; Neoplastic Syndromes, Hereditary. Identifiers: Orphanet 140162, MedGen C0027672, MeSH D009386, MONDO:0015356.
Retinoblastoma (RB1). Also called: RETINOBLASTOMA, SOMATIC. Identifiers: Orphanet 790, MedGen C0035335, MeSH D012175, MONDO:0008380, OMIM 180200, HP:0009919. Disease mechanism: loss of function. Inheritance: Both sporadic and heritable forms are tested..

Allele frequency attached by ClinVar (database versions not stated): gnomAD exomes 0.00002 and 0.00001; gnomAD 0.00001 and 0.00002; ExAC 0.00002; TOPMed 0.00004.
gnomAD v4.1: 24 of 1,574,358 alleles (0.0015%); highest among the groups gnomAD compares: Middle Eastern, 0.036%; no homozygotes.

Submissions (7):

Dasa
Classification: Uncertain significance. Last evaluated: 2026-02-19. Review status: criteria provided, single submitter. Criteria: DASA Assertion Criteria. Collection method: clinical testing. Allele origin: germline.
Comment: NM_000321.3(RB1):c.2491A>G (p.Ile831Val) is a missense variant that results in the substitution of isoleucine with valine. This variant is rare in population databases. Computational prediction algorithms are consistent with a deleterious effect. The currently available literature and clinical evidence are not sufficient to establish a definitive association between this variant and the reported condition. Therefore, this variant is classified as a variant of uncertain significance.

Labcorp Genetics (formerly Invitae), Labcorp
Classification: Likely benign for Retinoblastoma. Last evaluated: 2025-11-25. Review status: criteria provided, single submitter. Criteria: Invitae Variant Classification Sherloc (09022015). Collection method: clinical testing. Allele origin: germline.

Mayo Clinic Laboratories, Mayo Clinic
Classification: Likely benign. Last evaluated: 2025-01-24. Review status: criteria provided, single submitter. Criteria: ACMG Guidelines, 2015. Collection method: clinical testing. Allele origin: germline. Observed: 1 variant allele.
Comment: BS1, BS2

All of Us Research Program, National Institutes of Health
Classification: Uncertain significance for Retinoblastoma. Last evaluated: 2024-04-25. Review status: criteria provided, single submitter. Criteria: ACMG Guidelines, 2015. Collection method: clinical testing. Allele origin: germline. Inheritance: Autosomal dominant inheritance. Observed: 11 variant alleles, 11 heterozygotes.
Comment: This missense variant replaces isoleucine with valine at codon 831 of the RB1 protein. Computational prediction is inconclusive regarding the impact of this variant on protein structure and function (internally defined REVEL score threshold 0.5 < inconclusive < 0.7, PMID: 27666373). To our knowledge, functional studies have not been reported for this variant. This variant has not been reported in individuals affected with RB1-related disorders in the literature. This variant has been identified in 5/250614 chromosomes in the general population by the Genome Aggregation Database (gnomAD). The available evidence is insufficient to determine the role of this variant in disease conclusively. Therefore, this variant is classified as a Variant of Uncertain Significance.

This study involves interpretation of variants in research participants for the purpose of population health screening. Participant phenotype was not available at the time of variant classification. Additional details can be found in publication PMID: 35346344, PMCID: PMC8962531

Color Diagnostics, LLC DBA Color Health
Classification: Uncertain significance for Retinoblastoma. Last evaluated: 2024-04-17. Review status: criteria provided, single submitter. Criteria: ACMG Guidelines, 2015. Collection method: clinical testing. Allele origin: germline.
Comment: This missense variant replaces isoleucine with valine at codon 831 of the RB1 protein. Computational prediction is inconclusive regarding the impact of this variant on protein structure and function. To our knowledge, functional studies have not been reported for this variant. This variant has not been reported in individuals affected with RB1-related disorders in the literature. This variant has been identified in 5/250614 chromosomes in the general population by the Genome Aggregation Database (gnomAD). The available evidence is insufficient to determine the role of this variant in disease conclusively. Therefore, this variant is classified as a Variant of Uncertain Significance.

Women's Health and Genetics/Laboratory Corporation of America, LabCorp
Classification: Uncertain significance. Last evaluated: 2023-11-15. Review status: criteria provided, single submitter. Criteria: LabCorp Variant Classification Summary - May 2015. Collection method: clinical testing. Allele origin: germline.
Comment: Variant summary: RB1 c.2491A>G (p.Ile831Val) results in a conservative amino acid change located in the Retinoblastoma-associated protein, C-terminal of the encoded protein sequence. Four of five in-silico tools predict a benign effect of the variant on protein function. Consensus agreement among computation tools predict no significant impact on normal splicing. However, these predictions have yet to be confirmed by functional studies. The variant allele was found at a frequency of 1.5e-05 in 1574358 control chromosomes. This frequency is not significantly higher than estimated for a pathogenic variant in RB1 causing Retinoblastoma (1.5e-05 vs 4.2e-05), allowing no conclusion about variant significance. c.2491A>G has been reported in the literature in individuals affected with unspecified cancer (deOliveira_2022). This report does not provide unequivocal conclusions about association of the variant with Retinoblastoma. To our knowledge, no experimental evidence demonstrating an impact on protein function has been reported. Two submitters have cited clinical-significance assessments for this variant to ClinVar after 2014. All submitters classified the variant as likely benign. Based on the evidence outlined above, the variant was classified as uncertain significance.

Ambry Genetics
Classification: Likely benign for Hereditary cancer-predisposing syndrome. Last evaluated: 2022-12-28. Review status: criteria provided, single submitter. Criteria: Ambry Variant Classification Scheme 2023. Collection method: clinical testing. Allele origin: germline.

Literature cited by the submitters: PubMed 35534704 (cited by Mayo Clinic Laboratories, Mayo Clinic and Women's Health and Genetics/Laboratory Corporation of America, LabCorp); PubMed 24448499 (cited by Ambry Genetics).